The following is an entry in ClinVar:

NM_003640.5(ELP1):c.3604C>T (p.Arg1202Trp)

Gene: ELP1 (elongator acetyltransferase complex subunit 1; minus strand). Cytogenetic location: 9q31.3.
Variant type: single nucleotide variant.
Coding change: c.3604C>T on transcript NM_003640.5 (MANE Select); coding-DNA position 3604, C replaced by T.
Protein change: p.Arg1202Trp; replaces arginine 1202 with tryptophan.
Molecular consequence: missense variant.
Genome position (GRCh38, 1-based): chr9:108,878,719, G>A on the plus strand (C>T on the coding strand, the complement: ELP1 is on the minus strand). VCF-style: chr9-108878719-G-A. GRCh37 (hg19) VCF-style: chr9-111640999-G-A.
Other names: c.3262C>T, p.Arg1088Trp (NM_001318360.2); c.2557C>T, p.Arg853Trp (NM_001330749.2); short protein forms R853W, R1088W, R1202W.
Identifiers: ClinVar variation 843042 (VCV000843042.10), dbSNP rs201168521, ClinGen allele CA5174231.

ClinVar aggregate classification (germline): Uncertain significance. Review status: criteria provided, multiple submitters, no conflicts (2 of 4 stars). 5 submissions from 5 submitters: Uncertain significance (4). 1 of the submissions does not count toward it. Last evaluated 2025-08-10.

Conditions:
Familial dysautonomia. Also called: HSAN III; FD. Identifiers: Orphanet 1764, MedGen C0013364, MONDO:0009131, OMIM 223900. Disease mechanism: loss of function.
Medulloblastoma (MDB). Also called: MEDULLOBLASTOMA PREDISPOSITION SYNDROME; Medulloblastoma, somatic. Identifiers: Orphanet 616, MedGen C0025149, MeSH D008527, MONDO:0007959, OMIM 155255, HP:0002885.

Allele frequency attached by ClinVar (database versions not stated): gnomAD 0.00002 and 0.00004; gnomAD exomes 0.00005 and 0.00008; TOPMed 0.00005; ExAC 0.00007; ESP Exome Variant Server 0.00008; 1000 Genomes Project 30x 0.00016; 1000 Genomes Project 0.00020.
gnomAD v4.1: 90 of 1,614,152 alleles (0.0056%); highest among the groups gnomAD compares: South Asian, 0.049%; no homozygotes.

Submissions (5):

Ambry Genetics
Classification: Uncertain significance. Last evaluated: 2025-08-10. Review status: criteria provided, single submitter. Criteria: Ambry Variant Classification Scheme 2023. Collection method: clinical testing. Allele origin: germline.

Women's Health and Genetics/Laboratory Corporation of America, LabCorp
Classification: Uncertain significance. Last evaluated: 2025-07-01. Review status: criteria provided, single submitter. Criteria: LabCorp Variant Classification Summary - May 2015. Collection method: clinical testing. Allele origin: germline.
Comment: Variant summary: ELP1 c.3604C>T (p.Arg1202Trp) results in a non-conservative amino acid change in the encoded protein sequence. Algorithms developed to predict the effect of missense changes on protein structure and function are either unavailable or do not agree on the potential impact of this missense change. The variant allele was found at a frequency of 5.6e-05 in 1614152 control chromosomes. This frequency is not significantly higher than estimated for a pathogenic variant in ELP1 causing Familial Dysautonomia (5.6e-05 vs 0.0018), allowing no conclusion about variant significance. To our knowledge, no occurrence of c.3604C>T in individuals affected with Familial Dysautonomia and no experimental evidence demonstrating its impact on protein function have been reported. ClinVar contains an entry for this variant (Variation ID: 843042). Based on the evidence outlined above, the variant was classified as uncertain significance.

Labcorp Genetics (formerly Invitae), Labcorp
Classification: Uncertain significance. Last evaluated: 2022-10-26. Review status: criteria provided, single submitter. Criteria: Invitae Variant Classification Sherloc (09022015). Collection method: clinical testing. Allele origin: germline.
Comment: This sequence change replaces arginine, which is basic and polar, with tryptophan, which is neutral and slightly polar, at codon 1202 of the ELP1 protein (p.Arg1202Trp). This variant is present in population databases (rs201168521, gnomAD 0.06%). This variant has not been reported in the literature in individuals affected with ELP1-related conditions. ClinVar contains an entry for this variant (Variation ID: 843042). Advanced modeling of protein sequence and biophysical properties (such as structural, functional, and spatial information, amino acid conservation, physicochemical variation, residue mobility, and thermodynamic stability) performed at Invitae indicates that this missense variant is expected to disrupt ELP1 protein function. In summary, the available evidence is currently insufficient to determine the role of this variant in disease. Therefore, it has been classified as a Variant of Uncertain Significance.

Fulgent Genetics
Classification: Uncertain significance for Medulloblastoma; Familial dysautonomia. Last evaluated: 2022-01-19. Review status: criteria provided, single submitter. Criteria: ACMG Guidelines, 2015. Collection method: clinical testing. Allele origin: unknown.

Natera, Inc.
Classification: Uncertain significance for Familial dysautonomia. Last evaluated: 2020-09-16. Review status: no assertion criteria provided. Collection method: clinical testing. Allele origin: germline. Not counted in ClinVar's aggregate classification.